The following is an entry in ClinVar:

ClinVar aggregate classification (germline): Uncertain significance. Review status: criteria provided, multiple submitters, no conflicts (2 of 4 stars). 2 submissions from 2 submitters: Uncertain significance (2). Last evaluated 2024-12-10.

gnomAD v4.1: 35 of 1,551,666 alleles (0.0023%); highest among the groups gnomAD compares: Admixed American, 0.0059%; 1 homozygote.

Submissions (2):

Labcorp Genetics (formerly Invitae), Labcorp
Classification: Uncertain significance. Last evaluated: 2024-12-10. Review status: criteria provided, single submitter. Criteria: Invitae Variant Classification Sherloc (09022015). Collection method: clinical testing. Allele origin: germline.
Comment: This sequence change replaces arginine, which is basic and polar, with histidine, which is basic and polar, at codon 647 of the FAM65B protein (p.Arg647His). This variant is present in population databases (rs369641890, gnomAD 0.01%). This variant has not been reported in the literature in individuals affected with FAM65B-related conditions. An algorithm developed to predict the effect of missense changes on protein structure and function outputs the following: PolyPhen-2: "Benign". The histidine amino acid residue is found in multiple mammalian species, which suggests that this missense change does not adversely affect protein function. In summary, the available evidence is currently insufficient to determine the role of this variant in disease. Therefore, it has been classified as a Variant of Uncertain Significance.

Ambry Genetics
Classification: Uncertain significance. Last evaluated: 2024-08-28. Review status: criteria provided, single submitter. Criteria: Ambry Variant Classification Scheme 2023. Collection method: clinical testing. Allele origin: germline.

NM_001286445.3(RIPOR2):c.1877G>A (p.Arg626His)

Gene: RIPOR2 (RHO family interacting cell polarization regulator 2; minus strand). Cytogenetic location: 6p22.3.
Variant type: single nucleotide variant.
Coding change: c.1877G>A on transcript NM_001286445.3 (MANE Select); coding-DNA position 1877, G replaced by A.
Protein change: p.Arg626His; replaces arginine 626 with histidine.
Molecular consequence: missense variant.
Genome position (GRCh38, 1-based): chr6:24,839,253, C>T on the plus strand (G>A on the coding strand, the complement: RIPOR2 is on the minus strand). VCF-style: chr6-24839253-C-T. GRCh37 (hg19) VCF-style: chr6-24839481-C-T.
Other names: c.1790G>A, p.Arg597His (NM_001346031.2, NM_001346032.2); c.1940G>A, p.Arg647His (NM_014722.5); short protein forms R597H, R626H, R647H.
Identifiers: ClinVar variation 3433775 (VCV003433775.3).